The following is an entry in ClinVar:

ClinVar aggregate classification (germline): Uncertain significance (1 of 4 stars; one submission).

Conditions:
Hereditary cancer-predisposing syndrome. Also called: Tumor predisposition; Neoplastic Syndromes, Hereditary; Hereditary neoplastic syndrome; Hereditary Cancer Syndrome. Identifiers: Orphanet 140162, MedGen C0027672, MeSH D009386, MONDO:0015356.

Submission:

Ambry Genetics
Classification: Uncertain significance for Hereditary cancer-predisposing syndrome. Last evaluated: 2025-08-08. Review status: criteria provided, single submitter. Criteria: Ambry Variant Classification Scheme 2023. Collection method: clinical testing. Allele origin: germline.
Comment: The p.I562F variant (also known as c.1684A>T), located in coding exon 14 of the MRE11A gene, results from an A to T substitution at nucleotide position 1684. The isoleucine at codon 562 is replaced by phenylalanine, an amino acid with highly similar properties. This amino acid position is conserved. In addition, this alteration is predicted to be tolerated by in silico analysis. Based on the available evidence, the clinical significance of this variant remains unclear.

NM_005591.4(MRE11):c.1684A>T (p.Ile562Phe)

Gene: MRE11 (MRE11 double strand break repair nuclease; minus strand). Cytogenetic location: 11q21.
Variant type: single nucleotide variant.
Coding change: c.1684A>T on transcript NM_005591.4 (MANE Select); coding-DNA position 1684, A replaced by T.
Protein change: p.Ile562Phe; replaces isoleucine 562 with phenylalanine.
Molecular consequence: missense variant.
Genome position (GRCh38, 1-based): chr11:94,447,318, T>A on the plus strand (A>T on the coding strand, the complement: MRE11 is on the minus strand). VCF-style: chr11-94447318-T-A. GRCh37 (hg19) VCF-style: chr11-94180484-T-A.
Other names: c.1684A>T, p.Ile562Phe (NM_001330347.2, NM_001440460.1, NM_001440461.1 and 10 more transcripts); c.1621A>T, p.Ile541Phe (NM_001440467.1, NM_001440468.1, NM_001440469.1 and 2 more transcripts); c.1609A>T, p.Ile537Phe (NM_001440471.1, NM_001440472.1); c.1603A>T, p.Ile535Phe (NM_001440473.1, NM_001440477.1, NM_001440478.1); c.1216A>T, p.Ile406Phe (NM_001440487.1, NM_001440485.1, NM_001440486.1); c.1546A>T, p.Ile516Phe (NM_001440479.1); c.1339A>T, p.Ile447Phe (NM_001440482.1, NM_001440483.1, NM_001440484.1); short protein forms I447F, I516F, I562F, I406F, I535F, I537F, I541F.
Identifiers: ClinVar variation 4110094 (VCV004110094.1).
Genomic context (GRCh38, chr11:94,447,318, plus strand): 5'-GCCCTCTTCCACCTCTTCGACCTCTTCCTCGGCCTCTTCCTTTGTTGGTTGCTGCTGAGA[T>A]GCTATCATCAGAGTCATTAGCCATCTGTTCTGCTAAATCTATACTCATAAGGTCATCAGC-3'
Protein context (NP_005582.1, residues 552-572): EQMANDSDDS[Ile562Phe]SAATNKGRGR